The following is an entry in ClinVar:

NM_001378902.1(ROS1):c.527G>A (p.Arg176Gln)

Gene: ROS1 (ROS proto-oncogene 1, receptor tyrosine kinase; minus strand). Cytogenetic location: 6q22.1.
Variant type: single nucleotide variant.
Coding change: c.527G>A on transcript NM_001378902.1 (MANE Select); coding-DNA position 527, G replaced by A.
Protein change: p.Arg176Gln; replaces arginine 176 with glutamine.
Molecular consequence: missense variant.
Genome position (GRCh38, 1-based): chr6:117,403,216, C>T on the plus strand (G>A on the coding strand, the complement: ROS1 is on the minus strand). VCF-style: chr6-117403216-C-T. GRCh37 (hg19) VCF-style: chr6-117724379-C-T.
Other names: c.527G>A, p.Arg176Gln (NM_001378891.1); c.500G>A, p.Arg167Gln (NM_002944.3); short protein forms R167Q, R176Q.
Identifiers: ClinVar variation 3387860 (VCV003387860.14).
Genomic context (GRCh38, chr6:117,403,216, plus strand): 5'-CTGTAACTGGGACTTGGAGGGGAGTAGAGCTGCAGCTGCGCTGTGAAGATCCAAACCACT[C>T]GGAAAATGTACTCAGTGAAGGGGTGCAGGGGCTTGACCACATAGGACGGTCTGGACACAG-3'
Protein context (NP_001365831.1, residues 166-186): PLHPFTEYIF[Arg176Gln]VVWIFTAQLQ

ClinVar aggregate classification (germline): Benign (1 of 4 stars; one submission).

gnomAD v4.1: 127,890 of 1,611,816 alleles (7.9%); highest among the groups gnomAD compares: Non-Finnish European, 8.7%; 5,472 homozygotes.

Submission:

CeGaT Center for Human Genetics Tuebingen
Classification: Benign. Last evaluated: 2024-09-01. Review status: criteria provided, single submitter. Criteria: CeGaT Center For Human Genetics Tuebingen Variant Classification Criteria Version 2. Collection method: clinical testing. Allele origin: germline. Affected: yes. Observed: 1 variant allele.
Comment: ROS1: BP4, BS1, BS2